The following is an entry in ClinVar:

NM_001044385.3(TMEM237):c.59T>G (p.Leu20Arg)

Gene: TMEM237 (transmembrane protein 237; minus strand). Cytogenetic location: 2q33.1.
Variant type: single nucleotide variant.
Coding change: c.59T>G on transcript NM_001044385.3 (MANE Select); coding-DNA position 59, T replaced by G.
Protein change: p.Leu20Arg; replaces leucine 20 with arginine.
Molecular consequence: missense variant.
Genome position (GRCh38, 1-based): chr2:201,640,908, A>C on the plus strand (T>G on the coding strand, the complement: TMEM237 is on the minus strand). VCF-style: chr2-201640908-A-C. GRCh37 (hg19) VCF-style: chr2-202505631-A-C.
Other names: c.35T>G, p.Leu12Arg (NM_152388.4); c.59T>G (NM_001044385.1); short protein forms L12R, L20R.
Identifiers: ClinVar variation 1970345 (VCV001970345.6), dbSNP rs373956551, ClinGen allele CA63961593.

ClinVar aggregate classification (germline): Uncertain significance. Review status: criteria provided, multiple submitters, no conflicts (2 of 4 stars). 2 submissions from 2 submitters: Uncertain significance (2). Last evaluated 2025-12-15.

Conditions:
Joubert syndrome 14 (JBTS14). Identifiers: MedGen C3280766, MONDO:0013745, OMIM 614424.
Inborn genetic diseases. Identifiers: MedGen C0950123, MeSH D030342.

Submissions (2):

Ambry Genetics
Classification: Uncertain significance for Inborn genetic diseases. Last evaluated: 2025-12-15. Review status: criteria provided, single submitter. Criteria: Ambry Variant Classification Scheme 2023. Collection method: clinical testing. Allele origin: germline.

Labcorp Genetics (formerly Invitae), Labcorp
Classification: Uncertain significance for Joubert syndrome 14. Last evaluated: 2022-03-02. Review status: criteria provided, single submitter. Criteria: Invitae Variant Classification Sherloc (09022015). Collection method: clinical testing. Allele origin: germline.
Comment: This sequence change replaces leucine, which is neutral and non-polar, with arginine, which is basic and polar, at codon 20 of the TMEM237 protein (p.Leu20Arg). This variant is not present in population databases (gnomAD no frequency). This variant has not been reported in the literature in individuals affected with TMEM237-related conditions. Algorithms developed to predict the effect of missense changes on protein structure and function are either unavailable or do not agree on the potential impact of this missense change (SIFT: "Deleterious"; PolyPhen-2: "Probably Damaging"; Align-GVGD: "Class C0"). In summary, the available evidence is currently insufficient to determine the role of this variant in disease. Therefore, it has been classified as a Variant of Uncertain Significance.